The following is an entry in ClinVar:

ClinVar aggregate classification (germline): Likely benign. Review status: reviewed by expert panel (3 of 4 stars). 3 submissions from 3 submitters: Likely benign (1). 2 of the submissions do not count toward it. Last evaluated 2024-08-02.

Conditions:
Pulmonary arterial hypertension. Identifiers: Orphanet 182090, MedGen C2973725, MeSH D000081029, MONDO:0015924, HP:0002092.
Primary pulmonary hypertension. Also called: Idiopathic pulmonary hypertension. Identifiers: MedGen C0152171.
Inborn genetic diseases. Identifiers: MedGen C0950123, MeSH D030342.

Allele frequency attached by ClinVar (database versions not stated): TOPMed 0.00003; gnomAD exomes 0.00004 and 0.00008; gnomAD 0.00005 and 0.00006; ExAC 0.00007.
gnomAD v4.1: 70 of 1,614,068 alleles (0.0043%); highest among the groups gnomAD compares: Admixed American, 0.0017%; no homozygotes.

Submissions (3):

Clingen Pulmonary Hypertension Variant Curation Expert Panel, ClinGen
Classification: Likely benign for Pulmonary arterial hypertension. Last evaluated: 2024-08-02. Review status: reviewed by expert panel. Criteria: ClinGen PH ACMG Specifications BMPR2 V1.1.0. Collection method: curation. Allele origin: germline. Inheritance: Autosomal dominant inheritance.
Comment: The NM_001204.7(BMPR2) c.220A>G variant is a missense variant predicted to cause substitution of lysine by glutamate at amino acid 74 (p.Lys74Glu). The highest minor allele frequency in gnomAD v2.1.1 (controls) is 0.002155 (5/2320 alleles) in the Ashkenazi Jewish population, which exceeds the ClinGen PH VCEP threshold (>0.1%) for BS1 (BS1 met). The computational predictor REVEL gives a score of 0.353, which is neither above nor below the thresholds predicting a damaging (≥0.75) or benign (≤0.25) impact on BMPR2 function. SpliceAI analysis indicates the variant does not alter normal splicing. The missense change is located within the conserved ligand-binding domain but there are no functional data to support the amino acid residue as critical or non-critical (PM1 met). In summary, the variant meets the criteria to be classified as likely benign for pulmonary arterial hypertension based on the ACMG/AMP criteria applied, as specified by the ClinGen Pulmonary Hypertension VCEP: BS1, PM1 (VCEP specification version 1.1, 1/18/2024)

Labcorp Genetics (formerly Invitae), Labcorp
Classification: Likely benign for Primary pulmonary hypertension. Last evaluated: 2025-12-29. Review status: criteria provided, single submitter. Criteria: Invitae Variant Classification Sherloc (09022015). Collection method: clinical testing. Allele origin: germline. Not counted in ClinVar's aggregate classification.

Ambry Genetics
Classification: Uncertain significance for Inborn genetic diseases. Last evaluated: 2025-11-29. Review status: criteria provided, single submitter. Criteria: Ambry Variant Classification Scheme 2023. Collection method: clinical testing. Allele origin: germline. Not counted in ClinVar's aggregate classification.
Comment: The p.K74E variant (also known as c.220A>G), located in coding exon 2 of the BMPR2 gene, results from an A to G substitution at nucleotide position 220. The lysine at codon 74 is replaced by glutamic acid, an amino acid with similar properties. This amino acid position is conserved. In addition, the in silico prediction for this alteration is inconclusive. Since supporting evidence is limited at this time, the clinical significance of this alteration remains unclear.

NM_001204.7(BMPR2):c.220A>G (p.Lys74Glu)

Gene: BMPR2 (bone morphogenetic protein receptor type 2; plus strand). Cytogenetic location: 2q33.1.
Variant type: single nucleotide variant.
Coding change: c.220A>G on transcript NM_001204.7 (MANE Select); coding-DNA position 220, A replaced by G.
Protein change: p.Lys74Glu; replaces lysine 74 with glutamic acid.
Molecular consequence: missense variant.
Genome position (GRCh38, 1-based): chr2:202,464,952, A>G. VCF-style: chr2-202464952-A-G. GRCh37 (hg19) VCF-style: chr2-203329675-A-G.
Other names: NM_001204.7(BMPR2):c.220A>G; p.Lys74Glu; short protein forms K74E.
Identifiers: ClinVar variation 800204 (VCV000800204.14), dbSNP rs757855256, ClinGen allele CA2061053.